The following is an entry in ClinVar:

ClinVar aggregate classification (germline): Uncertain significance (0 of 4 stars; one submission).

Conditions:
PPARG-related disorder. Also called: PPARG-related condition; PPARG-related disorders.

gnomAD v4.1: 2 of 1,604,446 alleles (0.00012%); highest among the groups gnomAD compares: Non-Finnish European, 0.00017%; no homozygotes.

Submission:

PreventionGenetics, part of Exact Sciences
Classification: Uncertain significance for PPARG-related condition. Last evaluated: 2024-08-23. Review status: no assertion criteria provided. Collection method: clinical testing. Allele origin: germline.
Comment: The PPARG c.853G>A variant is predicted to result in the amino acid substitution p.Ala285Thr. To our knowledge, this variant has not been reported in the literature or in a large population database, indicating this variant is rare. At this time, the clinical significance of this variant is uncertain due to the absence of conclusive functional and genetic evidence.

NM_138711.6(PPARG):c.729+34G>A

Genes: PPARG (peroxisome proliferator activated receptor gamma; plus strand), LOC114803475 (PPARG eExon liver enhancer; plus strand). Cytogenetic location: 3p25.2.
Variant type: single nucleotide variant.
Coding change: c.729+34G>A on transcript NM_138711.6 (MANE Select); 34 bases into the intron after coding-DNA position 729, G replaced by A.
Molecular consequence: intron variant. On other transcripts: missense variant (2).
Genome position (GRCh38, 1-based): chr3:12,406,115, G>A. VCF-style: chr3-12406115-G-A. GRCh37 (hg19) VCF-style: chr3-12447614-G-A.
Other names: c.853G>A, p.Ala285Thr (NM_001354668.2); c.769G>A, p.Ala257Thr (NM_001354670.2); c.729+34G>A (NM_001354666.3, NM_138712.5, NM_005037.7 and 6 more transcripts); c.103-10589G>A (NM_001354669.2); c.653+116G>A (NM_001374266.1); c.819+34G>A (NM_015869.5, NM_001374265.1); short protein forms A257T, A285T.
Identifiers: ClinVar variation 3345593 (VCV003345593.1).
Genomic context (GRCh38, chr3:12,406,115, plus strand): 5'-TTGACAGGAAAGACAACAGACAAATCAGTTAGTTCTCTTCTGCTGTCTTCATTGGGGGAG[G>A]CGGGAAGTTGTTTTGGGTTTTTGTTTCTTTGAGTAAATGGTTTACTGCGCTACAAATGCA-3'